The following is an entry in ClinVar:

ClinVar aggregate classification (germline): Uncertain significance (1 of 4 stars; one submission).

Conditions:
Hereditary sensory neuropathy-deafness-dementia syndrome. Also called: Hereditary Sensory and Autonomic Neuropathy Type 1E (HSAN1E); HSN IE; Hereditary sensory neuropathy type IE; NEUROPATHY, HEREDITARY SENSORY, WITH HEARING LOSS AND DEMENTIA. Identifiers: Orphanet 456318, MedGen C3279885, MONDO:0013584, OMIM 614116.

Submission:

Labcorp Genetics (formerly Invitae), Labcorp
Classification: Uncertain significance for Hereditary sensory neuropathy-deafness-dementia syndrome. Last evaluated: 2020-04-01. Review status: criteria provided, single submitter. Criteria: Invitae Variant Classification Sherloc (09022015). Collection method: clinical testing. Allele origin: germline.
Comment: Algorithms developed to predict the effect of missense changes on protein structure and function (SIFT, PolyPhen-2, Align-GVGD) all suggest that this variant is likely to be tolerated, but these predictions have not been confirmed by published functional studies and their clinical significance is uncertain. In summary, the available evidence is currently insufficient to determine the role of this variant in disease. Therefore, it has been classified as a Variant of Uncertain Significance. This variant has not been reported in the literature in individuals with DNMT1-related conditions. This variant is not present in population databases (ExAC no frequency). This sequence change replaces alanine with serine at codon 1468 of the DNMT1 protein (p.Ala1468Ser). The alanine residue is weakly conserved and there is a moderate physicochemical difference between alanine and serine.

NM_001130823.3(DNMT1):c.4402G>T (p.Ala1468Ser)

Gene: DNMT1 (DNA methyltransferase 1; minus strand). Cytogenetic location: 19p13.2.
Variant type: single nucleotide variant.
Coding change: c.4402G>T on transcript NM_001130823.3 (MANE Select); coding-DNA position 4402, G replaced by T.
Protein change: p.Ala1468Ser; replaces alanine 1468 with serine.
Molecular consequence: missense variant.
Genome position (GRCh38, 1-based): chr19:10,137,172, C>A on the plus strand (G>T on the coding strand, the complement: DNMT1 is on the minus strand). VCF-style: chr19-10137172-C-A. GRCh37 (hg19) VCF-style: chr19-10247848-C-A.
Other names: c.4354G>T, p.Ala1452Ser (NM_001318730.2, NM_001379.4); c.4039G>T, p.Ala1347Ser (NM_001318731.2); short protein forms A1347S, A1452S, A1468S.
Identifiers: ClinVar variation 1009509 (VCV001009509.8), dbSNP rs2089501900, ClinGen allele CA403969529.
Genomic context (GRCh38, chr19:10,137,172, plus strand): 5'-GGGCCCCAGAGCTGCTGCGGCCGTTCTTCCTGTCATGGTGGGTATACCGCAGCTTCCTGG[C>A]CATGGTGCCGTCTGAGAGCCGCACCTCGATGTTGGGCAGATCGCGCCAGTCTGACCCTGG-3'
Protein context (NP_001124295.1, residues 1458-1478): IEVRLSDGTM[Ala1468Ser]RKLRYTHHDR